The following is an entry in ClinVar:

ClinVar aggregate classification (germline): Uncertain significance. Review status: criteria provided, multiple submitters, no conflicts (2 of 4 stars). 4 submissions from 4 submitters: Uncertain significance (4). Last evaluated 2025-05-07.

Conditions:
Gnathodiaphyseal dysplasia (GDD). Also called: OSTEOGENESIS IMPERFECTA WITH UNUSUAL SKELETAL LESIONS; GNATHODIAPHYSEAL SCLEROSIS. Identifiers: Orphanet 53697, MedGen C1833736, MONDO:0008151, OMIM 166260.
Autosomal recessive limb-girdle muscular dystrophy type 2L (LGMDR12). Also called: Limb-Girdle Muscular Dystrophy R12 Anoctamin-5-Related (LGMD-R12); Limb-girdle muscular dystrophy, type 2L; MUSCULAR DYSTROPHY, LIMB-GIRDLE, AUTOSOMAL RECESSIVE 12. Identifiers: Orphanet 206549, MedGen C1969785, MONDO:0012652, OMIM 611307.

Allele frequency attached by ClinVar (database versions not stated): gnomAD exomes below 0.00001; TOPMed below 0.00001; gnomAD 0.00001.
gnomAD v4.1: 7 of 1,612,840 alleles (0.00043%); highest among the groups gnomAD compares: Non-Finnish European, 0.00042%; no homozygotes.

Submissions (4):

Women's Health and Genetics/Laboratory Corporation of America, LabCorp
Classification: Uncertain significance. Last evaluated: 2025-05-07. Review status: criteria provided, single submitter. Criteria: LabCorp Variant Classification Summary - May 2015. Collection method: clinical testing. Allele origin: germline.
Comment: Variant summary: ANO5 c.2636T>C (p.Phe879Ser) results in a non-conservative amino acid change in the encoded protein sequence. Algorithms developed to predict the effect of missense changes on protein structure and function are either unavailable or do not agree on the potential impact of this missense change. The variant allele was found at a frequency of 4e-06 in 250960 control chromosomes. The available data on variant occurrences in the general population are insufficient to allow any conclusion about variant significance. c.2636T>C has been observed in individuals affected with Limb-Girdle Muscular Dystrophy, Autosomal Recessive. These data do not allow any conclusion about variant significance. To our knowledge, no experimental evidence demonstrating an impact on protein function has been reported. The following publications have been ascertained in the context of this evaluation (PMID: 34550615, 34145687, 32528171). ClinVar contains an entry for this variant (Variation ID: 635046). Based on the evidence outlined above, the variant was classified as uncertain significance.

Blueprint Genetics
Classification: Uncertain significance. Last evaluated: 2022-09-08. Review status: criteria provided, single submitter. Criteria: ACMG Guidelines, 2015. Collection method: clinical testing. Allele origin: germline.

Labcorp Genetics (formerly Invitae), Labcorp
Classification: Uncertain significance for Autosomal recessive limb-girdle muscular dystrophy type 2L; Gnathodiaphyseal dysplasia. Last evaluated: 2019-05-30. Review status: criteria provided, single submitter. Criteria: Invitae Variant Classification Sherloc (09022015). Collection method: clinical testing. Allele origin: germline.
Comment: This sequence change replaces phenylalanine with serine at codon 879 of the ANO5 protein (p.Phe879Ser). The phenylalanine residue is weakly conserved and there is a large physicochemical difference between phenylalanine and serine. This variant is not present in population databases (ExAC no frequency). This variant has not been reported in the literature in individuals with ANO5-related conditions. Algorithms developed to predict the effect of missense changes on protein structure and function are either unavailable or do not agree on the potential impact of this missense change (SIFT: "Tolerated"; PolyPhen-2: "Probably Damaging"; Align-GVGD: "Class C0"). In summary, the available evidence is currently insufficient to determine the role of this variant in disease. Therefore, it has been classified as a Variant of Uncertain Significance.

Broad Center for Mendelian Genomics, Broad Institute of MIT and Harvard
Classification: Uncertain significance for Autosomal recessive limb-girdle muscular dystrophy type 2L. Last evaluated: 2018-06-15. Review status: criteria provided, single submitter. Criteria: ACMG Guidelines, 2015. Collection method: research. Allele origin: germline. Inheritance: Autosomal recessive inheritance. Affected: yes.
Comment: This variant has been identified in <0.01% (1/111500) of European (Non-Finnish) chromosomes by the Genome Aggregation Database (gnomAD). Although this variant has been seen in the general population, its frequency is low enough to be consistent with a recessive carrier frequency. The Phenylalanine (Phe) at position 879 is not conserved in mammals and evolutionarily distant species, raising the possibility that a change at this position may be tolerated. Computational prediction tools do not provide strong support for or against an impact to the protein. In summary, the clinical significance of this variant is uncertain.

Literature cited by the submitters: PubMed 32528171 (cited by Women's Health and Genetics/Laboratory Corporation of America, LabCorp); PubMed 34550615 (cited by Women's Health and Genetics/Laboratory Corporation of America, LabCorp); PubMed 34145687 (cited by Women's Health and Genetics/Laboratory Corporation of America, LabCorp).

NM_213599.3(ANO5):c.2636T>C (p.Phe879Ser)

Gene: ANO5 (anoctamin 5; plus strand). Cytogenetic location: 11p14.3.
Variant type: single nucleotide variant.
Coding change: c.2636T>C on transcript NM_213599.3 (MANE Select); coding-DNA position 2636, T replaced by C.
Protein change: p.Phe879Ser; replaces phenylalanine 879 with serine.
Molecular consequence: missense variant.
Genome position (GRCh38, 1-based): chr11:22,279,659, T>C. VCF-style: chr11-22279659-T-C. GRCh37 (hg19) VCF-style: chr11-22301205-T-C.
Other names: c.2633T>C, p.Phe878Ser (NM_001142649.2); short protein forms F879S, F878S.
Identifiers: ClinVar variation 635046 (VCV000635046.13), dbSNP rs1459697236, ClinGen allele CA379925134.